The following is an entry in ClinVar:

NM_001044385.3(TMEM237):c.241C>T (p.Gln81Ter)

Gene: TMEM237 (transmembrane protein 237; minus strand). Cytogenetic location: 2q33.1.
Variant type: single nucleotide variant.
Coding change: c.241C>T on transcript NM_001044385.3 (MANE Select); coding-DNA position 241, C replaced by T.
Protein change: p.Gln81Ter; replaces glutamine 81 with a stop codon.
Molecular consequence: nonsense.
Genome position (GRCh38, 1-based): chr2:201,636,781, G>A on the plus strand (C>T on the coding strand, the complement: TMEM237 is on the minus strand). VCF-style: chr2-201636781-G-A. GRCh37 (hg19) VCF-style: chr2-202501504-G-A.
Other names: c.217C>T, p.Gln73Ter (NM_152388.4); short protein forms Q73*, Q81*.
Identifiers: ClinVar variation 1049742 (VCV001049742.1), dbSNP rs2105902326, ClinGen allele CA350315848.

ClinVar aggregate classification (germline): Likely pathogenic (0 of 4 stars; one submission).

Submission:

Department of Pathology and Laboratory Medicine, Sinai Health System
Classification: Likely pathogenic. Review status: no assertion criteria provided. Collection method: clinical testing. Allele origin: unknown. Affected: yes. Study: The Canadian Open Genetics Repository (COGR).
Comment: The TMEM237 p.Gln81* variant was not identified in the literature nor was it identified in dbSNP, ClinVar, MutDB, and LOVD 3.0. The variant was identified in the Cosmic database with a FATHMM prediction score of 0.94 (pathogenic). The variant was not identified in the following control databases: the 1000 Genomes Project, the NHLBI GO Exome Sequencing Project, the Exome Aggregation Consortium (August 8th 2016), or the Genome Aggregation Database (Feb 27, 2017. The p.Gln81* variant leads to a premature stop codon at position 81 which is predicted to lead to a truncated or absent protein and loss of function. Loss of function mutations are a known disease mechanism in Joubert syndrome 14. In summary, based on the above information the clinical significance of this variant cannot be determined with certainty at this time although we would lean towards a more pathogenic role for this variant. This variant is classified as likely pathogenic.